The following is an entry in ClinVar:

NM_001382391.1(CSPP1):c.2114C>A (p.Ala705Glu)

Gene: CSPP1 (centrosome and spindle pole associated protein 1; plus strand). Cytogenetic location: 8q13.2.
Variant type: single nucleotide variant.
Coding change: c.2114C>A on transcript NM_001382391.1 (MANE Select); coding-DNA position 2114, C replaced by A.
Protein change: p.Ala705Glu; replaces alanine 705 with glutamic acid.
Molecular consequence: missense variant. On other transcripts: intron variant (3).
Genome position (GRCh38, 1-based): chr8:67,149,921, C>A. VCF-style: chr8-67149921-C-A. GRCh37 (hg19) VCF-style: chr8-68062156-C-A.
Other names: c.2033C>A, p.Ala678Glu (NM_001363131.2); c.2180C>A, p.Ala727Glu (NM_001364869.1); c.2000C>A, p.Ala667Glu (NM_001364870.1); c.2099C>A, p.Ala700Glu (NM_024790.7); c.1934-4103C>A (NM_001363132.2); c.1853-4103C>A (NM_001363133.2); c.1079-4103C>A (NM_001291339.2); short protein forms A678E, A727E, A700E, A705E, A667E.
Identifiers: ClinVar variation 1038166 (VCV001038166.8), dbSNP rs1825359470, ClinGen allele CA371186918.

ClinVar aggregate classification (germline): Uncertain significance (1 of 4 stars; one submission).

Conditions:
Joubert syndrome 21 (JBTS21). Identifiers: MedGen C3810212, MONDO:0014288, OMIM 615636.

Submission:

Labcorp Genetics (formerly Invitae), Labcorp
Classification: Uncertain significance for Joubert syndrome 21. Last evaluated: 2020-10-14. Review status: criteria provided, single submitter. Criteria: Invitae Variant Classification Sherloc (09022015). Collection method: clinical testing. Allele origin: germline.
Comment: This variant has not been reported in the literature in individuals with CSPP1-related conditions. In summary, the available evidence is currently insufficient to determine the role of this variant in disease. Therefore, it has been classified as a Variant of Uncertain Significance. Algorithms developed to predict the effect of missense changes on protein structure and function are either unavailable or do not agree on the potential impact of this missense change (SIFT: "Deleterious"; PolyPhen-2: "Benign"; Align-GVGD: "Class C0"). This variant is not present in population databases (ExAC no frequency). This sequence change replaces alanine with glutamic acid at codon 700 of the CSPP1 protein (p.Ala700Glu). The alanine residue is moderately conserved and there is a moderate physicochemical difference between alanine and glutamic acid.